The following is an entry in ClinVar:

ClinVar aggregate classification (germline): Likely pathogenic (1 of 4 stars; one submission).

Submission:

Dasa
Classification: Likely pathogenic. Last evaluated: 2025-11-25. Review status: criteria provided, single submitter. Criteria: DASA Assertion Criteria. Collection method: clinical testing. Allele origin: germline.
Comment: NM_001130987.2(DYSF):c.3127_3134dup (p.Trp1045*) is a nonsense variant in DYSF predicted to introduce a premature termination codon and is predicted to result in an absent or altered protein product. Loss of function is an established disease mechanism for DYSF-associated disorders. Also, this variant is absent from population databases. Based on the currently available evidence, this variant is classified as likely pathogenic.

NM_001130987.2(DYSF):c.3127_3134dup (p.Trp1045Ter)

Gene: DYSF (dysferlin; plus strand). Cytogenetic location: 2p13.2.
Variant type: Duplication.
Coding change: c.3127_3134dup on transcript NM_001130987.2 (MANE Select); coding-DNA positions 3127 to 3134, 8 bases duplicated (AAGCACTG; older notation c.3127_3134dupAAGCACTG).
Protein change: p.Trp1045Ter; replaces tryptophan 1045 with a stop codon.
Molecular consequence: nonsense.
Genome position (GRCh38, 1-based): chr2:71,570,640-71,570,647, AAGCACTG duplicated; duplicating any 8 consecutive bases within chr2:71,570,639-71,570,647 gives the same sequence; the c. name uses the placement nearest the transcript's 3' end. VCF-style (leftmost placement, unchanged base first): chr2-71570638-C-CGAAGCACT. GRCh37 (hg19) VCF-style: chr2-71797768-C-CGAAGCACT.
Other names: c.3031_3038dup, p.Trp1013Ter (NM_001130976.2, NM_001130977.2); c.3073_3080dup, p.Trp1027Ter (NM_001130978.2, NM_003494.4); c.3166_3173dup, p.Trp1058Ter (NM_001130979.2); c.3124_3131dup, p.Trp1044Ter (NM_001130980.2, NM_001130981.2); c.3169_3176dup, p.Trp1059Ter (NM_001130982.2); c.3076_3083dup, p.Trp1028Ter (NM_001130983.2, NM_001130455.2); c.3034_3041dup, p.Trp1014Ter (NM_001130984.2, NM_001130986.2); c.3127_3134dup, p.Trp1045Ter (NM_001130985.2); short protein forms W1013*, W1014*, W1027*, W1028*, W1044*, W1045*, W1058*, W1059*.
Identifiers: ClinVar variation 4856851 (VCV004856851.2).
Genomic context (GRCh38, chr2:71,570,638, plus strand): 5'-GACCGGTTCCCCCTCCCCCAGGCTGGGAGTATAGCATCACCATCCCCCCGGAGCGGAAGC[C>CGAAGCACT]GAAGCACTGGGTCCCTGCTGAGAAGATGTACTACACACACCGACGGCGGCGCTGGGTGCG-3'